The following is an entry in ClinVar:

ClinVar aggregate classification (germline): Uncertain significance (1 of 4 stars; one submission).

Submission:

Ambry Genetics
Classification: Uncertain significance. Last evaluated: 2026-05-14. Review status: criteria provided, single submitter. Criteria: Ambry Variant Classification Scheme 2023. Collection method: clinical testing. Allele origin: germline.
Comment: The p.N493K variant (also known as c.1479T>G), located in coding exon 6 of the WNK2 gene, results from a T to G substitution at nucleotide position 1479. The asparagine at codon 493 is replaced by lysine, an amino acid with similar properties. This amino acid position is conserved. In addition, this alteration is predicted to be tolerated by in silico analysis. Based on the available evidence, the clinical significance of this variant remains unclear.

NM_006648.4(WNK2):c.1479T>G (p.Asn493Lys)

Gene: WNK2 (WNK lysine deficient protein kinase 2; plus strand). Cytogenetic location: 9q22.31.
Variant type: single nucleotide variant.
Coding change: c.1479T>G on transcript NM_006648.4 (MANE Select); coding-DNA position 1479, T replaced by G.
Protein change: p.Asn493Lys; replaces asparagine 493 with lysine.
Molecular consequence: missense variant.
Genome position (GRCh38, 1-based): chr9:93,239,913, T>G. VCF-style: chr9-93239913-T-G. GRCh37 (hg19) VCF-style: chr9-96002195-T-G.
Other names: c.1479T>G, p.Asn493Lys (NM_001282394.3); short protein forms N493K.
Identifiers: ClinVar variation 4866651 (VCV004866651.1).